The following is an entry in ClinVar:

NM_001364905.1(LRBA):c.6045T>C (p.His2015=)

Gene: LRBA (LPS responsive beige-like anchor protein; minus strand). Cytogenetic location: 4q31.3.
Variant type: single nucleotide variant.
Coding change: c.6045T>C on transcript NM_001364905.1 (MANE Select); coding-DNA position 6045, T replaced by C.
Protein change: p.His2015=; no amino-acid change (histidine 2015 retained).
Molecular consequence: synonymous variant.
Genome position (GRCh38, 1-based): chr4:150,599,008, A>G on the plus strand (T>C on the coding strand, the complement: LRBA is on the minus strand). VCF-style: chr4-150599008-A-G. GRCh37 (hg19) VCF-style: chr4-151520160-A-G.
Other names: c.6045T>C, p.His2015= (NM_001199282.3, NM_001367550.1, NM_006726.5).
Identifiers: ClinVar variation 2415830 (VCV002415830.4), dbSNP rs141641375, ClinGen allele CA3102275.

ClinVar aggregate classification (germline): Uncertain significance (1 of 4 stars; one submission).

Conditions:
Combined immunodeficiency due to LRBA deficiency. Also called: Common variable immunodeficiency 8, with autoimmunity. Identifiers: Orphanet 445018, MedGen C3553512, MONDO:0013863, OMIM 614700.

Allele frequency attached by ClinVar (database versions not stated): gnomAD exomes 0.00001; ExAC 0.00005; TOPMed 0.00005; gnomAD 0.00006; 1000 Genomes Project 30x 0.00016; 1000 Genomes Project 0.00020; ESP Exome Variant Server 0.00023.
gnomAD v4.1: 21 of 1,614,016 alleles (0.0013%); highest among the groups gnomAD compares: African/African-American, 0.024%; no homozygotes.

Submission:

Labcorp Genetics (formerly Invitae), Labcorp
Classification: Uncertain significance for Combined immunodeficiency due to LRBA deficiency. Last evaluated: 2022-09-01. Review status: criteria provided, single submitter. Criteria: Invitae Variant Classification Sherloc (09022015). Collection method: clinical testing. Allele origin: germline.
Comment: In summary, the available evidence is currently insufficient to determine the role of this variant in disease. Therefore, it has been classified as a Variant of Uncertain Significance. Algorithms developed to predict the effect of sequence changes on RNA splicing suggest that this variant is not likely to affect RNA splicing. This variant has not been reported in the literature in individuals affected with LRBA-related conditions. This variant is present in population databases (rs141641375, gnomAD 0.03%). This sequence change affects codon 2015 of the LRBA mRNA. It is a 'silent' change, meaning that it does not change the encoded amino acid sequence of the LRBA protein. It affects a nucleotide within the consensus splice site.